The following is an entry in ClinVar:

NM_005633.4(SOS1):c.2523A>T (p.Glu841Asp)

Gene: SOS1 (SOS Ras/Rac guanine nucleotide exchange factor 1; minus strand). Cytogenetic location: 2p22.1.
Variant type: single nucleotide variant.
Coding change: c.2523A>T on transcript NM_005633.4 (MANE Select); coding-DNA position 2523, A replaced by T.
Protein change: p.Glu841Asp; replaces glutamic acid 841 with aspartic acid.
Molecular consequence: missense variant.
Genome position (GRCh38, 1-based): chr2:39,007,181, T>A on the plus strand (A>T on the coding strand, the complement: SOS1 is on the minus strand). VCF-style: chr2-39007181-T-A. GRCh37 (hg19) VCF-style: chr2-39234322-T-A.
Other names: c.2502A>T, p.Glu834Asp (NM_001382394.1); c.2523A>T, p.Glu841Asp (NM_001382395.1); short protein forms E841D, E834D.
Identifiers: ClinVar variation 4761741 (VCV004761741.1).
Genomic context (GRCh38, chr2:39,007,181, plus strand): 5'-GACTTGTAGAATCTCAATAATTCGACTCACCACAGCTACTCTTTCTTCTAAATTTTCAGT[T>A]TCTACAATACATCTGGGAATAAAAAAAAAGTGAACTAAAGGTTTTAGAGTTTTTCCAATA-3'
Protein context (NP_005624.2, residues 831-851): LTLWFEKCIV[Glu841Asp]TENLEERVAV

ClinVar aggregate classification (germline): Uncertain significance (1 of 4 stars; one submission).

Conditions:
RASopathy. Also called: rasopathies; Noonan spectrum disorder. Identifiers: Orphanet 536391, MedGen C5555857, MONDO:0021060.

gnomAD v4.1: 1 of 1,592,898 alleles (0.000063%); highest among the groups gnomAD compares: Non-Finnish European, 0.000086%; no homozygotes.

Submission:

Labcorp Genetics (formerly Invitae), Labcorp
Classification: Uncertain significance for RASopathy. Last evaluated: 2025-05-11. Review status: criteria provided, single submitter. Criteria: Invitae Variant Classification Sherloc (09022015). Collection method: clinical testing. Allele origin: germline.
Comment: This sequence change replaces glutamic acid, which is acidic and polar, with aspartic acid, which is acidic and polar, at codon 841 of the SOS1 protein (p.Glu841Asp). This variant is present in population databases (no rsID available, gnomAD 0.0009%). This variant has not been reported in the literature in individuals affected with SOS1-related conditions. Invitae Evidence Modeling of protein sequence and biophysical properties (such as structural, functional, and spatial information, amino acid conservation, physicochemical variation, residue mobility, and thermodynamic stability) has been performed for this missense variant. However, the output from this modeling did not meet the statistical confidence thresholds required to predict the impact of this variant on SOS1 protein function. In summary, the available evidence is currently insufficient to determine the role of this variant in disease. Therefore, it has been classified as a Variant of Uncertain Significance.